The following is an entry in ClinVar:

ClinVar aggregate classification (germline): Benign (1 of 4 stars; one submission).

Allele frequency attached by ClinVar (database versions not stated): 1000 Genomes Project 30x 0.32527; 1000 Genomes Project 0.32528; TOPMed 0.36179; gnomAD 0.36770 and 0.36910.
gnomAD v4.1: 55,907 of 152,030 alleles (37%); highest among the groups gnomAD compares: Non-Finnish European, 41%; 10,471 homozygotes.

Submission:

GeneDx
Classification: Benign. Last evaluated: 2018-06-14. Review status: criteria provided, single submitter. Criteria: GeneDx Variant Classification (06012015). Collection method: clinical testing. Allele origin: germline. Affected: yes.
Comment: This variant is considered likely benign or benign based on one or more of the following criteria: it is a conservative change, it occurs at a poorly conserved position in the protein, it is predicted to be benign by multiple in silico algorithms, and/or has population frequency not consistent with disease.

NM_002291.3(LAMB1):c.423+227C>G

Gene: LAMB1 (laminin subunit beta 1; minus strand). Cytogenetic location: 7q31.1.
Variant type: single nucleotide variant.
Coding change: c.423+227C>G on transcript NM_002291.3 (MANE Select); 227 bases into the intron after coding-DNA position 423, C replaced by G.
Molecular consequence: intron variant.
Genome position (GRCh38, 1-based): chr7:107,994,660, G>C on the plus strand (C>G on the coding strand, the complement: LAMB1 is on the minus strand). VCF-style: chr7-107994660-G-C. GRCh37 (hg19) VCF-style: chr7-107635105-G-C.
Identifiers: ClinVar variation 682961 (VCV000682961.1), dbSNP rs13247575, ClinGen allele CA12674858.
Genomic context (GRCh38, chr7:107,994,660, plus strand): 5'-GGTCAACACTGCCTTACTCTATGGGGAAATAAAAAGATACCTAATTAAAAGTTTACAGTT[G>C]AATTACCTTAGAATAGAGGCTCTTTCTACTTATTGTCATGAAGATAGAGTATTTGTTAAA-3'